The following is an entry in ClinVar:

ClinVar aggregate classification (germline): Uncertain significance (1 of 4 stars; one submission).

Conditions:
Spastic paraplegia. Identifiers: MedGen C0037772, HP:0001258.

Submission:

Labcorp Genetics (formerly Invitae), Labcorp
Classification: Uncertain significance for Spastic paraplegia. Last evaluated: 2021-08-03. Review status: criteria provided, single submitter. Criteria: Invitae Variant Classification Sherloc (09022015). Collection method: clinical testing. Allele origin: germline.
Comment: This sequence change replaces glycine with alanine at codon 979 of the KIF5A protein (p.Gly979Ala). The glycine residue is moderately conserved and there is a small physicochemical difference between glycine and alanine. This variant is not present in population databases (ExAC no frequency). This variant has not been reported in the literature in individuals affected with KIF5A-related conditions. Advanced modeling of protein sequence and biophysical properties (such as structural, functional, and spatial information, amino acid conservation, physicochemical variation, residue mobility, and thermodynamic stability) performed at Invitae indicates that this missense variant is not expected to disrupt KIF5A protein function. In summary, the available evidence is currently insufficient to determine the role of this variant in disease. Therefore, it has been classified as a Variant of Uncertain Significance.

NM_004984.4(KIF5A):c.2936G>C (p.Gly979Ala)

Gene: KIF5A (kinesin family member 5A; plus strand). Cytogenetic location: 12q13.3.
Variant type: single nucleotide variant.
Coding change: c.2936G>C on transcript NM_004984.4 (MANE Select); coding-DNA position 2936, G replaced by C.
Protein change: p.Gly979Ala; replaces glycine 979 with alanine.
Molecular consequence: missense variant.
Genome position (GRCh38, 1-based): chr12:57,581,896, G>C. VCF-style: chr12-57581896-G-C. GRCh37 (hg19) VCF-style: chr12-57975679-G-C.
Other names: c.2669G>C, p.Gly890Ala (NM_001354705.2); short protein forms G890A, G979A.
Identifiers: ClinVar variation 1480083 (VCV001480083.6), dbSNP rs1156869738, ClinGen allele CA385516611.